The following is an entry in ClinVar:

ClinVar aggregate classification (germline): Likely pathogenic (1 of 4 stars; one submission).

Conditions:
GNE myopathy (NM). Also called: MYOPATHY, DISTAL, WITH OR WITHOUT RIMMED VACUOLES; IBM 2; Inclusion body myopathy autosomal recessive; Inclusion body myopathy quadriceps sparing; NONAKA DISTAL MYOPATHY; INCLUSION BODY MYOPATHY, HEREDITARY, AUTOSOMAL RECESSIVE. Identifiers: Orphanet 602, MedGen C1853926, MONDO:0011603, OMIM 605820.

Submission:

Natera, Inc.
Classification: Likely pathogenic for Nonaka myopathy. Last evaluated: 2025-11-07. Review status: criteria provided, single submitter. Criteria: Natera Variant Classification Schema (03/2026). Collection method: clinical testing. Allele origin: germline.
Comment: The c.826A>G variant in GNE is a missense variant predicted to cause substitution of lysine to glutamic acid at amino acid 276. This variant is rare in the general population with a frequency below the threshold expected for the associated phenotype(s). This variant has been observed in one or more individuals affected with the associated recessive disease, as either homozygous or compound heterozygous with a second variant (PMID: 30390020, 35590323, 37365282, 39332896). Given the available evidence, this variant is classified as Likely Pathogenic.

Literature cited by the submitters: PubMed 30390020; PubMed 35590323; PubMed 37365282; PubMed 39332896.

NM_005476.7(GNE):c.733A>G (p.Lys245Glu)

Gene: GNE (glucosamine (UDP-N-acetyl)-2-epimerase/N-acetylmannosamine kinase; minus strand). Cytogenetic location: 9p13.3.
Variant type: single nucleotide variant.
Coding change: c.733A>G on transcript NM_005476.7 (MANE Select); coding-DNA position 733, A replaced by G.
Protein change: p.Lys245Glu; replaces lysine 245 with glutamic acid.
Molecular consequence: missense variant. On other transcripts: intron variant (2).
Genome position (GRCh38, 1-based): chr9:36,236,868, T>C on the plus strand (A>G on the coding strand, the complement: GNE is on the minus strand). VCF-style: chr9-36236868-T-C. GRCh37 (hg19) VCF-style: chr9-36236865-T-C.
Other names: c.826A>G, p.Lys276Glu (NM_001128227.3); c.733A>G, p.Lys245Glu (NM_001190383.3); c.556A>G, p.Lys186Glu (NM_001190388.2, NM_001374798.1); c.440-2736A>G (NM_001190384.3); c.617-2736A>G (NM_001374797.1); short protein forms K186E, K245E, K276E.
Identifiers: ClinVar variation 4814614 (VCV004814614.1).
Genomic context (GRCh38, chr9:36,236,868, plus strand): 5'-AATTTCATTTTCAAGTTCAATTACCTGCGTCAATATTTGGAAACAGGACTAGGGTCCGCT[T>C]GTTAAATGAGATAAGTGCATCCAATGTTAATTCAAACATTTTTATGGAATGCTTAATGTC-3'
Protein context (NP_005467.1, residues 235-255): LTLDALISFN[Lys245Glu]RTLVLFPNID